The following is an entry in ClinVar:

ClinVar aggregate classification (germline): Benign. Review status: criteria provided, multiple submitters, no conflicts (2 of 4 stars). 2 submissions from 2 submitters: Benign (2). Last evaluated 2018-06-14.

Allele frequency attached by ClinVar (database versions not stated): TOPMed 0.16960; gnomAD 0.33192 and 0.33555; 1000 Genomes Project 0.20547.

Submissions (2):

GeneDx
Classification: Benign. Last evaluated: 2018-06-14. Review status: criteria provided, single submitter. Criteria: GeneDx Variant Classification (06012015). Collection method: clinical testing. Allele origin: germline. Affected: yes.
Comment: This variant is considered likely benign or benign based on one or more of the following criteria: it is a conservative change, it occurs at a poorly conserved position in the protein, it is predicted to be benign by multiple in silico algorithms, and/or has population frequency not consistent with disease.

Breakthrough Genomics
Classification: Benign. Review status: criteria provided, single submitter. Criteria: ACMG Guidelines, 2015. Collection method: not provided. Allele origin: germline. Inheritance: Autosomal recessive inheritance. Affected: yes.

NM_025215.5(PUS1):c.-581G>A

Genes: PUS1 (pseudouridine synthase 1; plus strand), LOC130009239 (ATAC-STARR-seq lymphoblastoid silent region 5106; plus strand). Cytogenetic location: 12q24.33.
Variant type: single nucleotide variant.
Coding change: c.-581G>A on transcript NM_025215.5; 581 bases upstream of the start codon, G replaced by A.
Genome position (GRCh38, 1-based): chr12:131,929,142, G>A. VCF-style: chr12-131929142-G-A. GRCh37 (hg19) VCF-style: chr12-132413687-G-A.
Identifiers: ClinVar variation 676228 (VCV000676228.4), dbSNP rs75594148, ClinGen allele CA246181233.
Genomic context (GRCh38, chr12:131,929,142, plus strand): 5'-AGGGCCTGGTGCCCCGCCCTCAACACCCTAATCCCCGCCCCACCCCACCCCCACCCCCTA[G>A]TCTCCGCCCCCATCACCCCCTCCGTCTCTGTCCCCGCCCTGCCTCTTCTCCCGAATTAGT-3'